The following is an entry in ClinVar:

ClinVar aggregate classification (germline): Pathogenic/Likely pathogenic. Review status: criteria provided, multiple submitters, no conflicts (2 of 4 stars). 6 submissions from 6 submitters: Pathogenic (2); Likely pathogenic (4). Last evaluated 2026-01-11.

Conditions:
TCIRG1-related disorder. Also called: TCIRG1-related condition.
Autosomal recessive osteopetrosis 1. Also called: ALBERS-SCHONBERG DISEASE, AUTOSOMAL RECESSIVE; TCIRG1-Related Osteopetrosis; TCIRG1-Related Autosomal Recessive Osteopetrosis. Identifiers: Orphanet 667, MedGen C1850127, MONDO:0009815, OMIM 259700.

Submissions (6):

Labcorp Genetics (formerly Invitae), Labcorp
Classification: Pathogenic. Last evaluated: 2026-01-11. Review status: criteria provided, single submitter. Criteria: Invitae Variant Classification Sherloc (09022015). Collection method: clinical testing. Allele origin: germline.
Comment: This variant, c.2161_2163del, results in the deletion of 1 amino acid(s) of the TCIRG1 protein (p.Ile721del), but otherwise preserves the integrity of the reading frame. This variant is present in population databases (rs780311417, gnomAD 0.007%). This variant has been observed in individual(s) with clinical features of autosomal recessive osteopetrosis (PMID: 15300850, 20424301; internal data). In at least one individual the data is consistent with being in trans (on the opposite chromosome) from a pathogenic variant. This variant is also known as c.2158_2160delATC Ile720del or c.2160_2162del (p.Ile721del). ClinVar contains an entry for this variant (Variation ID: 1507699). For these reasons, this variant has been classified as Pathogenic.

Natera, Inc.
Classification: Likely pathogenic for Infantile malignant osteopetrosis. Last evaluated: 2025-04-11. Review status: criteria provided, single submitter. Criteria: Natera Variant Classification Schema (03/2026). Collection method: clinical testing. Allele origin: germline.
Comment: The c.2161_2163delATC variant in TCIRG1 is an in-frame deletion predicted to remove isoleucine at amino acid 721 while preserving the reading frame. This variant is rare in the general population with a frequency below the threshold expected for the associated phenotype(s). This variant has been observed in one or more individuals affected with the associated recessive disease, as either homozygous or compound heterozygous with a second variant (PMID: 20424301). Computational prediction algorithms indicate this variant is likely to affect gene or protein function. Given the available evidence, this variant is classified as Likely Pathogenic.

PreventionGenetics, part of Exact Sciences
Classification: Likely pathogenic for TCIRG1-related condition. Last evaluated: 2024-12-17. Review status: criteria provided, single submitter. Criteria: ACMG Guidelines, 2015. Collection method: clinical testing. Allele origin: germline.
Comment: The TCIRG1 c.2161_2163delATC variant is predicted to result in an in-frame deletion (p.Ile721del). This variant has been reported in individuals with infantile malignant autosomal recessive osteopetrosis (referred as c.2158_2160delATC, Susani et al. 2004. PubMed ID: 15300850; Phadke et al. 2010. PubMed ID: 20424301). This variant is reported in 0.0062% of alleles in individuals of African descent in gnomAD. Other small in-frame deletions (p.Asn462del and p.Ala779_Ala781del) have also been reported in individuals with autosomal recessive osteopetrosis (Sobacchi et al. 2001. PubMed ID: 11532986). Taken together, we interpret c.2161_2613del (p.Ile721del) as likely pathogenic.

GeneDx
Classification: Likely pathogenic. Last evaluated: 2024-08-23. Review status: criteria provided, single submitter. Criteria: GeneDx Variant Classification Process June 2021. Collection method: clinical testing. Allele origin: germline. Affected: yes.
Comment: In-frame deletion of 1 amino acid in a non-repeat region; In silico analysis supports a deleterious effect on protein structure/function; Identified without a second variant in the TCIRG1 gene in a patient with a clinical diagnosis of infantile malignant osteopetrosis and inherited from an unaffected parent (PMID: 30539151); This variant is associated with the following publications: (PMID: 30539151, 15300850, 20424301)

Baylor Genetics
Classification: Pathogenic for Autosomal recessive osteopetrosis 1. Last evaluated: 2024-03-20. Review status: criteria provided, single submitter. Criteria: ACMG Guidelines, 2015. Collection method: clinical testing. Allele origin: unknown.

Fulgent Genetics
Classification: Likely pathogenic for Autosomal recessive osteopetrosis 1. Last evaluated: 2022-02-21. Review status: criteria provided, single submitter. Criteria: ACMG Guidelines, 2015. Collection method: clinical testing. Allele origin: unknown.

Literature cited by the submitters: PubMed 15300850 (cited by Labcorp Genetics (formerly Invitae), Labcorp); PubMed 20424301 (cited by Labcorp Genetics (formerly Invitae), Labcorp and Natera, Inc.).

NM_006019.4(TCIRG1):c.2161_2163del (p.Ile721del)

Gene: TCIRG1 (T cell immune regulator 1, ATPase H+ transporting V0 subunit a3; plus strand). Cytogenetic location: 11q13.2.
Variant type: Deletion.
Coding change: c.2161_2163del on transcript NM_006019.4 (MANE Select); coding-DNA positions 2161 to 2163, 3 bases deleted (ATC; older notation c.2161_2163delATC).
Protein change: p.Ile721del; deletes isoleucine 721.
Molecular consequence: inframe deletion.
Genome position (GRCh38, 1-based): chr11:68,050,179-68,050,181, ATC deleted; deleting any 3 consecutive bases within chr11:68,050,178-68,050,181 gives the same sequence; the c. name uses the placement nearest the transcript's 3' end. VCF-style (leftmost placement, unchanged base first): chr11-68050177-CCAT-C. GRCh37 (hg19) VCF-style: chr11-67817644-CCAT-C.
Other names: c.2161_2163delATC (NM_006019.3); c.1267_1269del, p.Ile423del (NM_001351059.2); c.1513_1515del, p.Ile505del (NM_006053.4); c.2161_2163del (NM_006019.3); short protein forms I721del, I505del, I423del.
Identifiers: ClinVar variation 1507699 (VCV001507699.14), dbSNP rs780311417, ClinGen allele CA6147422.